The following is an entry in ClinVar:

ClinVar aggregate classification (germline): Conflicting classifications of pathogenicity. Review status: criteria provided, conflicting classifications (1 of 4 stars). 6 submissions from 6 submitters: Uncertain significance (4); Likely benign (1). 1 of the submissions does not count toward it. Last evaluated 2026-09-16.

Conditions:
OPA1-related disorder. Also called: OPA1-related condition; OPA1-related disorders.

Allele frequency attached by ClinVar (database versions not stated): gnomAD exomes 0.00005; ExAC 0.00006; TOPMed 0.00006; ESP Exome Variant Server 0.00008; gnomAD 0.00008; 1000 Genomes Project 30x 0.00016; 1000 Genomes Project 0.00020.
gnomAD v4.1: 106 of 1,613,632 alleles (0.0066%); highest among the groups gnomAD compares: Non-Finnish European, 0.0075%; no homozygotes.

Submissions (6):

PreventionGenetics, part of Exact Sciences
Classification: Uncertain significance for OPA1-related condition. Last evaluated: 2026-09-16. Review status: criteria provided, single submitter. Criteria: ACMG Guidelines, 2015. Collection method: clinical testing. Allele origin: germline.
Comment: The OPA1 c.2636G>A variant is predicted to result in the amino acid substitution p.Arg879Gln. This variant can also be denoted as c.2471G>A (p.Arg824Gln) using transcript NM_015560. To our knowledge, this variant has not been reported in the literature. This variant is present in 0.0079% of alleles in individuals of European (Non-Finnish) descent in gnomAD. At this time, the clinical significance of this variant is uncertain due to the absence of conclusive functional and genetic evidence.

Labcorp Genetics (formerly Invitae), Labcorp
Classification: Likely benign. Last evaluated: 2026-01-30. Review status: criteria provided, single submitter. Criteria: Invitae Variant Classification Sherloc (09022015). Collection method: clinical testing. Allele origin: germline.

Women's Health and Genetics/Laboratory Corporation of America, LabCorp
Classification: Uncertain significance. Last evaluated: 2025-11-05. Review status: criteria provided, single submitter. Criteria: LabCorp Variant Classification Summary - May 2015. Collection method: clinical testing. Allele origin: germline.
Comment: Variant summary: OPA1 c.2471G>A (p.Arg824Gln) results in a conservative amino acid change in the encoded protein sequence. Algorithms developed to predict the effect of missense changes on protein structure and function are either unavailable or do not agree on the potential impact of this missense change. The variant allele was found at a frequency of 5.2e-05 in 251154 control chromosomes. This frequency is not significantly higher than estimated for disease-causing variants in OPA1, allowing no conclusion about variant significance. To our knowledge, no occurrence of c.2471G>A in individuals affected with OPA1-related conditions and no experimental evidence demonstrating its impact on protein function have been reported. ClinVar contains an entry for this variant (Variation ID: 214892). Based on the evidence outlined above, the variant was classified as uncertain significance.

GeneDx
Classification: Uncertain significance. Last evaluated: 2022-05-10. Review status: criteria provided, single submitter. Criteria: GeneDx Variant Classification Process June 2021. Collection method: clinical testing. Allele origin: germline. Affected: yes.
Comment: In silico analysis supports that this missense variant does not alter protein structure/function; Has not been previously published as pathogenic or benign to our knowledge

CeGaT Center for Human Genetics Tuebingen
Classification: Uncertain significance. Last evaluated: 2016-12-01. Review status: criteria provided, single submitter. Criteria: CeGaT Center For Human Genetics Tuebingen Variant Classification Criteria Version 2. Collection method: clinical testing. Allele origin: germline. Affected: yes. Observed: 1 variant allele.

Mayo Clinic Laboratories, Mayo Clinic
Classification: Uncertain significance. Last evaluated: 2016-03-08. Review status: no assertion criteria provided. Collection method: clinical testing. Allele origin: unknown. Not counted in ClinVar's aggregate classification.

NM_130837.3(OPA1):c.2636G>A (p.Arg879Gln)

Gene: OPA1 (OPA1 mitochondrial dynamin like GTPase; plus strand). Cytogenetic location: 3q29.
Variant type: single nucleotide variant.
Coding change: c.2636G>A on transcript NM_130837.3 (MANE Select); coding-DNA position 2636, G replaced by A.
Protein change: p.Arg879Gln; replaces arginine 879 with glutamine.
Molecular consequence: missense variant.
Genome position (GRCh38, 1-based): chr3:193,662,937, G>A. VCF-style: chr3-193662937-G-A. GRCh37 (hg19) VCF-style: chr3-193380726-G-A.
Other names: c.2102G>A, p.Arg701Gln (NM_001354663.2); c.2099G>A, p.Arg700Gln (NM_001354664.2); c.2471G>A, p.Arg824Gln (NM_015560.3); c.2363G>A, p.Arg788Gln (NM_130831.3); c.2417G>A, p.Arg806Gln (NM_130832.3); c.2474G>A, p.Arg825Gln (NM_130833.3); c.2525G>A, p.Arg842Gln (NM_130834.3); c.2528G>A, p.Arg843Gln (NM_130835.3); and 2 more; short protein forms R824Q, R879Q, R825Q, R788Q, R843Q, R861Q, R700Q, R701Q.
Identifiers: ClinVar variation 214892 (VCV000214892.58), dbSNP rs200412464, ClinGen allele CA323895.